The following is an entry in ClinVar:

NM_000264.5(PTCH1):c.2363A>G (p.Tyr788Cys)

Genes: PTCH1 (patched 1; minus strand), LOC100507346 (uncharacterized LOC100507346; plus strand). Cytogenetic location: 9q22.32.
Variant type: single nucleotide variant.
Coding change: c.2363A>G on transcript NM_000264.5 (MANE Select); coding-DNA position 2363, A replaced by G.
Protein change: p.Tyr788Cys; replaces tyrosine 788 with cysteine.
Molecular consequence: missense variant.
Genome position (GRCh38, 1-based): chr9:95,467,313, T>C on the plus strand (A>G on the coding strand, the complement: PTCH1 is on the minus strand). VCF-style: chr9-95467313-T-C. GRCh37 (hg19) VCF-style: chr9-98229595-T-C.
Other names: c.2165A>G, p.Tyr722Cys (NM_001083602.3); c.2360A>G, p.Tyr787Cys (NM_001083603.3); c.1910A>G, p.Tyr637Cys (NM_001083604.3, NM_001083605.3, NM_001083606.3 and 1 more transcripts); c.2207A>G, p.Tyr736Cys (NM_001354918.2); short protein forms Y637C, Y722C, Y736C, Y788C, Y787C.
Identifiers: ClinVar variation 2449629 (VCV002449629.3), dbSNP rs2538132370, ClinGen allele CA374114481.

ClinVar aggregate classification (germline): Uncertain significance (1 of 4 stars; one submission).

Conditions:
Hereditary cancer-predisposing syndrome. Also called: Hereditary Cancer Syndrome; Hereditary neoplastic syndrome; Neoplastic Syndromes, Hereditary; Tumor predisposition. Identifiers: Orphanet 140162, MedGen C0027672, MeSH D009386, MONDO:0015356.

Submission:

Ambry Genetics
Classification: Uncertain significance for Hereditary cancer-predisposing syndrome. Last evaluated: 2026-07-27. Review status: criteria provided, single submitter. Criteria: Ambry Variant Classification Scheme 2023. Collection method: clinical testing. Allele origin: germline.
Comment: The p.Y788C variant (also known as c.2363A>G), located in coding exon 15 of the PTCH1 gene, results from an A to G substitution at nucleotide position 2363. The tyrosine at codon 788 is replaced by cysteine, an amino acid with highly dissimilar properties. This amino acid position is highly conserved in available vertebrate species. In addition, this alteration is predicted to be deleterious by in silico analysis. Based on the available evidence, the clinical significance of this variant remains unclear.